The following is an entry in ClinVar:

NM_022065.5(THADA):c.4327C>T (p.Leu1443Phe)

Gene: THADA (THADA armadillo repeat containing; minus strand). Cytogenetic location: 2p21.
Variant type: single nucleotide variant.
Coding change: c.4327C>T on transcript NM_022065.5 (MANE Select); coding-DNA position 4327, C replaced by T.
Protein change: p.Leu1443Phe; replaces leucine 1443 with phenylalanine.
Molecular consequence: missense variant. On other transcripts: non-coding transcript variant (1).
Genome position (GRCh38, 1-based): chr2:43,344,138, G>A on the plus strand (C>T on the coding strand, the complement: THADA is on the minus strand). VCF-style: chr2-43344138-G-A. GRCh37 (hg19) VCF-style: chr2-43571277-G-A.
Other names: c.4327C>T, p.Leu1443Phe (NM_001083953.2, NM_001345925.2); c.4324C>T, p.Leu1442Phe (NM_001345923.2); c.4204C>T, p.Leu1402Phe (NM_001345924.2); c.*398C>T (NM_198554.1); c.4327C>T (NM_001083953.1); short protein forms L1402F, L1442F, L1443F.
Identifiers: ClinVar variation 2650855 (VCV002650855.25), dbSNP rs61754254, ClinGen allele CA1632265.

ClinVar aggregate classification (germline): Likely benign. Review status: criteria provided, single submitter (1 of 4 stars). 2 submissions from 2 submitters: Likely benign (1). 1 of the submissions does not count toward it. Last evaluated 2023-02-01.

Conditions:
THADA-related disorder. Also called: THADA-related condition.

Allele frequency attached by ClinVar (database versions not stated): 1000 Genomes Project 30x 0.00156; 1000 Genomes Project 0.00160; TOPMed 0.00438; gnomAD 0.00471; ESP Exome Variant Server 0.00571; ExAC 0.00745; gnomAD exomes 0.00764.
gnomAD v4.1: 11,694 of 1,610,178 alleles (0.73%); highest among the groups gnomAD compares: Non-Finnish European, 0.92%; 64 homozygotes.

Submissions (2):

CeGaT Center for Human Genetics Tuebingen
Classification: Likely benign. Last evaluated: 2023-02-01. Review status: criteria provided, single submitter. Criteria: CeGaT Center For Human Genetics Tuebingen Variant Classification Criteria Version 2. Collection method: clinical testing. Allele origin: germline. Affected: yes. Observed: 1 variant allele.
Comment: THADA: BP4, BS2

PreventionGenetics, part of Exact Sciences
Classification: Likely benign for THADA-related condition. Last evaluated: 2019-05-06. Review status: no assertion criteria provided. Collection method: clinical testing. Allele origin: germline. Not counted in ClinVar's aggregate classification.
Comment: This variant is classified as likely benign based on ACMG/AMP sequence variant interpretation guidelines (Richards et al. 2015 PMID: 25741868, with internal and published modifications).